The following is an entry in ClinVar:

ClinVar aggregate classification (germline): Uncertain significance (1 of 4 stars; one submission).

Submission:

Labcorp Genetics (formerly Invitae), Labcorp
Classification: Uncertain significance. Last evaluated: 2022-08-16. Review status: criteria provided, single submitter. Criteria: Invitae Variant Classification Sherloc (09022015). Collection method: clinical testing. Allele origin: germline.
Comment: In summary, the available evidence is currently insufficient to determine the role of this variant in disease. Therefore, it has been classified as a Variant of Uncertain Significance. Algorithms developed to predict the effect of missense changes on protein structure and function are either unavailable or do not agree on the potential impact of this missense change (SIFT: "Tolerated"; PolyPhen-2: "Probably Damaging"; Align-GVGD: "Class C0"). This sequence change replaces aspartic acid, which is acidic and polar, with histidine, which is basic and polar, at codon 268 of the TBCD protein (p.Asp268His). This variant is not present in population databases (gnomAD no frequency). This variant has not been reported in the literature in individuals affected with TBCD-related conditions. ClinVar contains an entry for this variant (Variation ID: 1506551).

NM_005993.5(TBCD):c.802G>C (p.Asp268His)

Gene: TBCD (tubulin folding cofactor D). Cytogenetic location: 17q25.3.
Variant type: single nucleotide variant.
Coding change: c.802G>C on transcript NM_005993.5 (MANE Select); coding-DNA position 802, G replaced by C.
Protein change: p.Asp268His; replaces aspartic acid 268 with histidine.
Molecular consequence: missense variant.
Genome position (GRCh38, 1-based): chr17:82,797,787, G>C. VCF-style: chr17-82797787-G-C. GRCh37 (hg19) VCF-style: chr17-80755663-G-C.
Other names: short protein forms D268H.
Identifiers: ClinVar variation 1506551 (VCV001506551.8), dbSNP rs746762918, ClinGen allele CA401633147.